The following is an entry in ClinVar:

NM_004621.6(TRPC6):c.2074G>A (p.Val692Ile)

Gene: TRPC6 (transient receptor potential cation channel subfamily C member 6; minus strand). Cytogenetic location: 11q22.1.
Variant type: single nucleotide variant.
Coding change: c.2074G>A on transcript NM_004621.6 (MANE Select); coding-DNA position 2074, G replaced by A.
Protein change: p.Val692Ile; replaces valine 692 with isoleucine.
Molecular consequence: missense variant.
Genome position (GRCh38, 1-based): chr11:101,472,268, C>T on the plus strand (G>A on the coding strand, the complement: TRPC6 is on the minus strand). VCF-style: chr11-101472268-C-T. GRCh37 (hg19) VCF-style: chr11-101342999-C-T.
Other names: short protein forms V692I.
Identifiers: ClinVar variation 1304571 (VCV001304571.4), dbSNP rs202219188, ClinGen allele CA6244214.

ClinVar aggregate classification (germline): Uncertain significance. Review status: criteria provided, multiple submitters, no conflicts (2 of 4 stars). 3 submissions from 3 submitters: Uncertain significance (3). Last evaluated 2024-11-13.

Conditions:
Focal segmental glomerulosclerosis 2 (FSGS2). Identifiers: Orphanet 656, MedGen C1858915, MONDO:0011390, OMIM 603965.

Allele frequency attached by ClinVar (database versions not stated): ExAC 0.00001; gnomAD 0.00001; TOPMed 0.00001; gnomAD exomes 0.00002.
gnomAD v4.1: 25 of 1,613,230 alleles (0.0015%); highest among the groups gnomAD compares: Middle Eastern, 0.05%; no homozygotes.

Submissions (3):

Blueprint Genetics
Classification: Uncertain significance. Last evaluated: 2024-11-13. Review status: criteria provided, single submitter. Criteria: ACMG Guidelines, 2015. Collection method: clinical testing. Allele origin: germline.

Fulgent Genetics
Classification: Uncertain significance for Focal segmental glomerulosclerosis 2. Last evaluated: 2022-03-22. Review status: criteria provided, single submitter. Criteria: ACMG Guidelines, 2015. Collection method: clinical testing. Allele origin: unknown.

GeneDx
Classification: Uncertain significance. Last evaluated: 2020-12-15. Review status: criteria provided, single submitter. Criteria: GeneDx Variant Classification Process June 2021. Collection method: clinical testing. Allele origin: germline. Affected: yes.
Comment: Identified in a patient with steroid-resistant nephrotic syndrome in published literature (Bezdicka et al., 2018); Not observed at a significant frequency in large population cohorts (Lek et al., 2016); In silico analysis supports that this missense variant does not alter protein structure/function; This variant is associated with the following publications: (PMID: 29869118)